The following is an entry in ClinVar:

NC_000011.9:g.(?_47353958)_47355505del

Gene: MYBPC3 (myosin binding protein C3; minus strand).
Variant type: Deletion.
Identifiers: ClinVar variation 1069832 (VCV001069832.2).

ClinVar aggregate classification (germline): Pathogenic (1 of 4 stars; one submission).

Conditions:
Hypertrophic cardiomyopathy. Also called: HYPERTROPHIC MYOCARDIOPATHY. Identifiers: Orphanet 217569, MedGen C0007194, MeSH D002312, MONDO:0005045, HP:0001639.

Submission:

Labcorp Genetics (formerly Invitae), Labcorp
Classification: Pathogenic for Hypertrophic cardiomyopathy. Last evaluated: 2020-10-19. Review status: criteria provided, single submitter. Criteria: Invitae Variant Classification Sherloc (09022015). Collection method: clinical testing. Allele origin: germline.
Comment: This variant results in the deletion of exons 29-32 and part of exon 28 (c.2962_3628-149del) of the MYBPC3 gene. It is expected to disrupt RNA splicing. Variants that disrupt the donor or acceptor splice site typically lead to a loss of protein function (PMID: 16199547), and loss-of-function variants in MYBPC3 are known to be pathogenic (PMID: 19574547). This variant has not been reported in the literature in individuals with MYBPC3-related conditions. This variant disrupts the p.Arg1022 amino acid residue in MYBPC3. Other variant(s) that disrupt this residue have been determined to be pathogenic (PMID: 16335287, 23396983, 28771489, 20433692). This suggests that this residue is clinically significant, and that variants that disrupt this residue are likely to be disease-causing. For these reasons, this variant has been classified as Pathogenic.

Literature cited by the submitters: PubMed 16199547; PubMed 19574547; PubMed 16335287; PubMed 23396983; PubMed 28771489; PubMed 20433692.